The following is an entry in ClinVar:

NM_000179.3(MSH6):c.2404C>A (p.Pro802Thr)

Gene: MSH6 (mutS homolog 6; plus strand). Cytogenetic location: 2p16.3.
Variant type: single nucleotide variant.
Coding change: c.2404C>A on transcript NM_000179.3 (MANE Select); coding-DNA position 2404, C replaced by A.
Protein change: p.Pro802Thr; replaces proline 802 with threonine.
Molecular consequence: missense variant.
Genome position (GRCh38, 1-based): chr2:47,800,387, C>A. VCF-style: chr2-47800387-C-A. GRCh37 (hg19) VCF-style: chr2-48027526-C-A.
Other names: c.2014C>A, p.Pro672Thr (NM_001281492.2); c.1498C>A, p.Pro500Thr (NM_001281493.2, NM_001281494.2); short protein forms P500T, P802T, P672T.
Identifiers: ClinVar variation 842796 (VCV000842796.10), dbSNP rs1553413764, ClinGen allele CA346753937.
Genomic context (GRCh38, chr2:47,800,387, plus strand): 5'-CTCTGTAACCATTATGCTATTAATGATCGTCTAGATGCCATAGAAGACCTCATGGTTGTG[C>A]CTGACAAAATCTCCGAAGTTGTAGAGCTTCTAAAGAAGCTTCCAGATCTTGAGAGGCTAC-3'
Protein context (NP_000170.1, residues 792-812): LDAIEDLMVV[Pro802Thr]DKISEVVELL

ClinVar aggregate classification (germline): Uncertain significance (1 of 4 stars; one submission).

Conditions:
Hereditary nonpolyposis colorectal neoplasms. Identifiers: MedGen C0009405, MeSH D003123.

Submission:

Labcorp Genetics (formerly Invitae), Labcorp
Classification: Uncertain significance for Hereditary nonpolyposis colorectal neoplasms. Last evaluated: 2024-04-15. Review status: criteria provided, single submitter. Criteria: Invitae Variant Classification Sherloc (09022015). Collection method: clinical testing. Allele origin: germline.
Comment: This sequence change replaces proline, which is neutral and non-polar, with threonine, which is neutral and polar, at codon 802 of the MSH6 protein (p.Pro802Thr). This variant is not present in population databases (gnomAD no frequency). This variant has not been reported in the literature in individuals affected with MSH6-related conditions. ClinVar contains an entry for this variant (Variation ID: 842796). Advanced modeling of protein sequence and biophysical properties (such as structural, functional, and spatial information, amino acid conservation, physicochemical variation, residue mobility, and thermodynamic stability) performed at Invitae indicates that this missense variant is not expected to disrupt MSH6 protein function with a negative predictive value of 95%. In summary, the available evidence is currently insufficient to determine the role of this variant in disease. Therefore, it has been classified as a Variant of Uncertain Significance.